The following is an entry in ClinVar:

ClinVar aggregate classification (germline): Likely pathogenic (1 of 4 stars; one submission).

Conditions:
Autosomal recessive limb-girdle muscular dystrophy type 2J (LGMDR10). Also called: Limb-girdle muscular dystrophy, type 2J; MUSCULAR DYSTROPHY, LIMB-GIRDLE, AUTOSOMAL RECESSIVE 10. Identifiers: Orphanet 140922, MedGen C1837342, MONDO:0012127, OMIM 608807.
Dilated cardiomyopathy 1G (CMD1G). Identifiers: Orphanet 154, MedGen C1858763, MONDO:0011400, OMIM 604145.

Submission:

Labcorp Genetics (formerly Invitae), Labcorp
Classification: Likely pathogenic for Dilated cardiomyopathy 1G; Autosomal recessive limb-girdle muscular dystrophy type 2J. Last evaluated: 2025-04-17. Review status: criteria provided, single submitter. Criteria: Invitae Variant Classification Sherloc (09022015). Collection method: clinical testing. Allele origin: germline.
Comment: This sequence change creates a premature translational stop signal (p.Asp26201Hisfs*13) in the TTN gene. While this is not anticipated to result in nonsense mediated decay, it is expected to create a truncated TTN protein. This variant is not present in population databases (gnomAD no frequency). This variant has not been reported in the literature in individuals affected with TTN-related conditions. This variant is located in the A band of TTN (PMID: 25589632). Truncating variants in this region are significantly overrepresented in patients affected with dilated cardiomyopathy (PMID: 25589632). Truncating variants in this region have also been reported in individuals affected with autosomal recessive centronuclear myopathy (PMID: 23975875). In summary, the currently available evidence indicates that the variant is pathogenic, but additional data are needed to prove that conclusively. Therefore, this variant has been classified as Likely Pathogenic.

Literature cited by the submitters: PubMed 25589632; PubMed 23975875.

NM_001267550.2(TTN):c.78601_78602del (p.Asp26201fs)

Genes: TTN-AS1 (TTN antisense RNA 1; plus strand), TTN (titin; minus strand). Cytogenetic location: 2q31.2.
Variant type: Microsatellite.
Coding change: c.78601_78602del on transcript NM_001267550.2 (MANE Select); coding-DNA positions 78601 to 78602, 2 bases deleted (GA; older notation c.78601_78602delGA).
Protein change: p.Asp26201fs; shifts the reading frame from aspartic acid 26201.
Molecular consequence: frameshift variant.
Genome position (GRCh38, 1-based): chr2:178,567,530-178,567,531, TC deleted on the plus strand (GA on the coding strand, the reverse complement: TTN is on the minus strand); deleting any 2 consecutive bases within chr2:178,567,530-178,567,534 gives the same sequence; the c. name uses the placement nearest the transcript's 3' end. VCF-style (leftmost placement, unchanged base first): chr2-178567529-GTC-G. GRCh37 (hg19) VCF-style: chr2-179432256-GTC-G.
Other names: c.73678_73679del, p.Asp24560fs (NM_001256850.1); c.51406_51407del, p.Asp17136fs (NM_003319.4); c.70897_70898del, p.Asp23633fs (NM_133378.4); c.51781_51782del, p.Asp17261fs (NM_133432.3); c.51982_51983del, p.Asp17328fs (NM_133437.4); short protein forms D23633fs, D24560fs, D17261fs, D26201fs, D17136fs, D17328fs.
Identifiers: ClinVar variation 4784727 (VCV004784727.1).